The following is an entry in ClinVar:

NM_002432.3(MNDA):c.205G>A (p.Ala69Thr)

Gene: MNDA (myeloid cell nuclear differentiation antigen; plus strand). Cytogenetic location: 1q23.1.
Variant type: single nucleotide variant.
Coding change: c.205G>A on transcript NM_002432.3 (MANE Select); coding-DNA position 205, G replaced by A.
Protein change: p.Ala69Thr; replaces alanine 69 with threonine.
Molecular consequence: missense variant.
Genome position (GRCh38, 1-based): chr1:158,842,358, G>A. VCF-style: chr1-158842358-G-A. GRCh37 (hg19) VCF-style: chr1-158812148-G-A.
Other names: short protein forms A69T.
Identifiers: ClinVar variation 1785199 (VCV001785199.2), dbSNP rs1659045069, ClinGen allele CA343037026.

ClinVar aggregate classification (germline): Uncertain significance (1 of 4 stars; one submission).

Allele frequency attached by ClinVar (database versions not stated): TOPMed below 0.00001.

Submission:

Ambry Genetics
Classification: Uncertain significance. Last evaluated: 2022-01-13. Review status: criteria provided, single submitter. Criteria: Ambry Variant Classification Scheme 2023. Collection method: clinical testing. Allele origin: germline.
Comment: The p.A69T variant (also known as c.205G>A), located in coding exon 1 of the MNDA gene, results from a G to A substitution at nucleotide position 205. The alanine at codon 69 is replaced by threonine, an amino acid with similar properties. This amino acid position is conserved. In addition, this alteration is predicted to be tolerated by in silico analysis. Since supporting evidence is limited at this time, the clinical significance of this alteration remains unclear.